The following is an entry in ClinVar:

NM_001128148.3(TFRC):c.900+2T>G

Gene: TFRC (transferrin receptor; minus strand). Cytogenetic location: 3q29.
Variant type: single nucleotide variant.
Coding change: c.900+2T>G on transcript NM_001128148.3 (MANE Select); the canonical splice donor site of the intron after coding-DNA position 900, T replaced by G.
Molecular consequence: splice donor variant.
Genome position (GRCh38, 1-based): chr3:196,068,030, A>C on the plus strand (T>G on the coding strand, the complement: TFRC is on the minus strand). VCF-style: chr3-196068030-A-C. GRCh37 (hg19) VCF-style: chr3-195794901-A-C.
Other names: c.54+2T>G (NM_001313966.2); c.657+2T>G (NM_001313965.2); c.900+2T>G (NM_003234.4).
Identifiers: ClinVar variation 2831955 (VCV002831955.3), dbSNP rs1358967853, ClinGen allele CA355573749.
Genomic context (GRCh38, chr3:196,068,030, plus strand): 5'-TACAGGAATCCAAGAACAACTCAAGGAACTCAAAACGGTGATTTACTCAAGAAATAACTC[A>C]CATGTCCAAAGAATGAAAGTTCTGCGTTAACAATGGGAAATTTAGTCTGGTCCATGTATA-3'

ClinVar aggregate classification (germline): Uncertain significance (1 of 4 stars; one submission).

Allele frequency attached by ClinVar (database versions not stated): gnomAD exomes below 0.00001.
gnomAD v4.1: 3 of 1,609,890 alleles (0.00019%); highest among the groups gnomAD compares: Non-Finnish European, 0.00025%; no homozygotes.

Submission:

Labcorp Genetics (formerly Invitae), Labcorp
Classification: Uncertain significance. Last evaluated: 2023-01-26. Review status: criteria provided, single submitter. Criteria: Invitae Variant Classification Sherloc (09022015). Collection method: clinical testing. Allele origin: germline.
Comment: This sequence change affects a donor splice site in intron 8 of the TFRC gene. It is expected to disrupt RNA splicing. Variants that disrupt the donor or acceptor splice site typically lead to a loss of protein function (PMID: 16199547), however the current clinical and genetic evidence is not sufficient to establish whether loss-of-function variants in TFRC cause disease. This variant is present in population databases (no rsID available, gnomAD 0.0009%). This variant has not been reported in the literature in individuals affected with TFRC-related conditions. Algorithms developed to predict the effect of sequence changes on RNA splicing suggest that this variant may disrupt the consensus splice site. In summary, the available evidence is currently insufficient to determine the role of this variant in disease. Therefore, it has been classified as a Variant of Uncertain Significance.

Literature cited by the submitters: PubMed 16199547.